The following is an entry in ClinVar:

NM_001320198.2(KRT86):c.*10G>C

Gene: KRT86 (keratin 86; plus strand). Cytogenetic location: 12q13.13.
Variant type: single nucleotide variant.
Coding change: c.*10G>C on transcript NM_001320198.2 (MANE Select); 10 bases downstream of the stop codon, G replaced by C.
Molecular consequence: 3 prime UTR variant.
Genome position (GRCh38, 1-based): chr12:52,308,595, G>C. VCF-style: chr12-52308595-G-C. GRCh37 (hg19) VCF-style: chr12-52702379-G-C.
Identifiers: ClinVar variation 3038944 (VCV003038944.2), dbSNP rs751427480, ClinGen allele CA6577223.

ClinVar aggregate classification (germline): Likely benign (0 of 4 stars; one submission).

Conditions:
KRT86-related disorder. Also called: KRT86-related condition.

Allele frequency attached by ClinVar (database versions not stated): ExAC 0.00001.
gnomAD v4.1: 7 of 1,592,696 alleles (0.00044%); highest among the groups gnomAD compares: Non-Finnish European, 0.00059%; no homozygotes.

Submission:

PreventionGenetics, part of Exact Sciences
Classification: Likely benign for KRT86-related condition. Last evaluated: 2019-05-23. Review status: no assertion criteria provided. Collection method: clinical testing. Allele origin: germline.
Comment: This variant is classified as likely benign based on ACMG/AMP sequence variant interpretation guidelines (Richards et al. 2015 PMID: 25741868, with internal and published modifications).